The following is an entry in ClinVar:

NM_005908.4(MANBA):c.*124T>C

Gene: MANBA (mannosidase beta; minus strand). Cytogenetic location: 4q24.
Variant type: single nucleotide variant.
Coding change: c.*124T>C on transcript NM_005908.4 (MANE Select); 124 bases downstream of the stop codon, T replaced by C.
Molecular consequence: 3 prime UTR variant.
Genome position (GRCh38, 1-based): chr4:102,631,933, A>G on the plus strand (T>C on the coding strand, the complement: MANBA is on the minus strand). VCF-style: chr4-102631933-A-G. GRCh37 (hg19) VCF-style: chr4-103553090-A-G.
Identifiers: ClinVar variation 347075 (VCV000347075.9), dbSNP rs3194585, ClinGen allele CA10617638.
Genomic context (GRCh38, chr4:102,631,933, plus strand): 5'-TGGGTAAACAGCCTCCCCTGAAAGTGTTCAGTGTACAACTCTTCACAGAGCAATCGCTCA[A>G]ATGCGTGGCAGCACGCAGACATGTCTCTCGGCTTCTCTCCTTGTCTCTGTTGCCTTCCTC-3'

ClinVar aggregate classification (germline): Benign. Review status: criteria provided, multiple submitters, no conflicts (2 of 4 stars). 3 submissions from 3 submitters: Benign (3). Last evaluated 2018-06-19.

Conditions:
Beta-D-mannosidosis (MANSB). Also called: LYSOSOMAL BETA-MANNOSIDASE DEFICIENCY; Beta-Mannosidosis; MANNOSIDOSIS, BETA A, LYSOSOMAL; BETA-MANNOSIDASE DEFICIENCY. Identifiers: Orphanet 118, MedGen C4048196, MONDO:0009562, OMIM 248510.

Allele frequency attached by ClinVar (database versions not stated): gnomAD 0.54923 and 0.55297; 1000 Genomes Project 0.55032; 1000 Genomes Project 30x 0.56027; gnomAD exomes 0.51588; TOPMed 0.56663.
gnomAD v4.1: 440,061 of 841,964 alleles (52%); highest among the groups gnomAD compares: Admixed American, 69%; 117,085 homozygotes.

Submissions (3):

GeneDx
Classification: Benign. Last evaluated: 2018-06-19. Review status: criteria provided, single submitter. Criteria: GeneDx Variant Classification Process June 2021. Collection method: clinical testing. Allele origin: germline. Affected: yes.

Illumina Laboratory Services, Illumina
Classification: Benign for Beta-D-mannosidosis. Last evaluated: 2018-01-13. Review status: criteria provided, single submitter. Criteria: ICSL Variant Classification Criteria 13 December 2019. Collection method: clinical testing. Allele origin: germline.
Comment: This variant was observed in the ICSL laboratory as part of a predisposition screen in an ostensibly healthy population. It had not been previously curated by ICSL or reported in the Human Gene Mutation Database (HGMD: prior to June 1st, 2018), and was therefore a candidate for classification through an automated scoring system. Utilizing variant allele frequency, disease prevalence and penetrance estimates, and inheritance mode, an automated score was calculated to assess if this variant is too frequent to cause the disease. Based on the score and internal cut-off values, a variant classified as benign is not then subjected to further curation. The score for this variant resulted in a classification of benign for this disease.

Breakthrough Genomics
Classification: Benign. Review status: criteria provided, single submitter. Criteria: ACMG Guidelines, 2015. Collection method: not provided. Allele origin: germline. Inheritance: Autosomal recessive inheritance. Affected: yes.